The following is an entry in ClinVar:

ClinVar aggregate classification (germline): Uncertain significance (1 of 4 stars; one submission).

Conditions:
ARHGAP31-related disorder. Also called: ARHGAP31-related condition.

Submission:

PreventionGenetics, part of Exact Sciences
Classification: Uncertain significance for ARHGAP31-related condition. Last evaluated: 2023-03-11. Review status: criteria provided, single submitter. Criteria: ACMG Guidelines, 2015. Collection method: clinical testing. Allele origin: germline.
Comment: The ARHGAP31 c.589G>A variant is predicted to result in the amino acid substitution p.Ala197Thr. To our knowledge, this variant has not been reported in the literature or in a large population database, indicating this variant is rare. At this time, the clinical significance of this variant is uncertain due to the absence of conclusive functional and genetic evidence.

NM_020754.4(ARHGAP31):c.589G>A (p.Ala197Thr)

Gene: ARHGAP31 (Rho GTPase activating protein 31; plus strand). Cytogenetic location: 3q13.33.
Variant type: single nucleotide variant.
Coding change: c.589G>A on transcript NM_020754.4 (MANE Select); coding-DNA position 589, G replaced by A.
Protein change: p.Ala197Thr; replaces alanine 197 with threonine.
Molecular consequence: missense variant.
Genome position (GRCh38, 1-based): chr3:119,383,133, G>A. VCF-style: chr3-119383133-G-A. GRCh37 (hg19) VCF-style: chr3-119101980-G-A.
Other names: short protein forms A197T.
Identifiers: ClinVar variation 2630409 (VCV002630409.1), dbSNP rs2472834982, ClinGen allele CA354027337.